The following is an entry in ClinVar:

NM_000257.4(MYH7):c.5769del (p.Ser1924fs)

Gene: MYH7 (myosin heavy chain 7; minus strand). Cytogenetic location: 14q11.2.
Variant type: Deletion.
Coding change: c.5769del on transcript NM_000257.4 (MANE Select); coding-DNA position 5769, one base deleted (G; older notation c.5769delG).
Protein change: p.Ser1924fs; shifts the reading frame from serine 1924.
Molecular consequence: frameshift variant.
Genome position (GRCh38, 1-based): chr14:23,413,780, C deleted on the plus strand (G on the coding strand, the reverse complement: MYH7 is on the minus strand). VCF-style (leftmost placement, unchanged base first): chr14-23413779-TC-T. GRCh37 (hg19) VCF-style: chr14-23882988-TC-T.
Other names: c.5769delG (NM_000257.3, NM_000257.4, NM_000257.2); c.5769del (NM_000257.2); short protein forms S1924fs.
Identifiers: ClinVar variation 960135 (VCV000960135.18), dbSNP rs1892066954, ClinGen allele CA1139663370.

ClinVar aggregate classification (germline): Pathogenic/Likely pathogenic. Review status: criteria provided, multiple submitters, no conflicts (2 of 4 stars). 5 submissions from 5 submitters: Pathogenic (3); Likely pathogenic (1). 1 of the submissions does not count toward it. Last evaluated 2025-11-13.

Conditions:
Hypertrophic cardiomyopathy. Also called: HYPERTROPHIC MYOCARDIOPATHY. Identifiers: Orphanet 217569, MedGen C0007194, MeSH D002312, MONDO:0005045, HP:0001639.
Hypertrophic cardiomyopathy 4. Also called: Familial hypertrophic cardiomyopathy 4. Identifiers: MedGen C1861862, MONDO:0007268, OMIM 115197.
Primary dilated cardiomyopathy (DCM). Also called: Dilated Cardiomyopathy. Identifiers: Orphanet 217604, MedGen C0007193, MeSH D002311, MONDO:0005021, HP:0001644. Inheritance: Various modes of inheritance.
Cardiomyopathy (CMYO). Also called: Cardiomyopathies. Identifiers: Orphanet 167848, MedGen C0878544, MONDO:0004994, HP:0001638. Inheritance: Various modes of inheritance.

Allele frequency attached by ClinVar (database versions not stated): gnomAD exomes below 0.00001.

Submissions (5):

GeneDx
Classification: Likely pathogenic. Last evaluated: 2025-11-13. Review status: criteria provided, single submitter. Criteria: GeneDx Variant Classification Process June 2021. Collection method: clinical testing. Allele origin: germline. Affected: yes.
Comment: Not observed at significant frequency in large population cohorts (gnomAD); Frameshift variant predicted to result in protein truncation as the last 12 amino acids are replaced with 9 different amino acids, although loss-of-function variants have not been reported downstream of this position in the protein; Identified in individuals referred for hypertrophic cardiomyopathy, but segregation data were not provided (PMID: 23233322, 24111713); This variant is associated with the following publications: (PMID: 24111713, 28971120, 23233322, 37431535, 35653365, 37652022, 34460321)

Labcorp Genetics (formerly Invitae), Labcorp
Classification: Pathogenic for Hypertrophic cardiomyopathy. Last evaluated: 2025-08-18. Review status: criteria provided, single submitter. Criteria: Invitae Variant Classification Sherloc (09022015). Collection method: clinical testing. Allele origin: germline.
Comment: This sequence change creates a premature translational stop signal (p.Ser1924Alafs*9) in the MYH7 gene. While this is not anticipated to result in nonsense mediated decay, it is expected to disrupt the last 12 amino acid(s) of the MYH7 protein. This variant is not present in population databases (gnomAD no frequency). This premature translational stop signal has been observed in individual(s) with hypertrophic cardiomyopathy (PMID: 23233322, 24111713, 34460321). It has also been observed to segregate with disease in related individuals. ClinVar contains an entry for this variant (Variation ID: 960135). For these reasons, this variant has been classified as Pathogenic.

Women's Health and Genetics/Laboratory Corporation of America, LabCorp
Classification: Pathogenic for Cardiomyopathy. Last evaluated: 2024-04-08. Review status: criteria provided, single submitter. Criteria: LabCorp Variant Classification Summary - May 2015. Collection method: clinical testing. Allele origin: germline.
Comment: Variant summary: MYH7 c.5769delG (p.Ser1924AlafsX9) results in a premature termination codon, predicted to cause a truncation of the encoded protein or absence of the protein due to nonsense mediated decay, however the molecular mechanism of disease attributed to MYH7 is gain-of-function. The variant was absent in 251366 control chromosomes. c.5769delG has been reported in the literature in multiple individuals affected with hypertrophic cardiomyopathy. These data indicate that the variant is very likely to be associated with disease. The following publications have been ascertained in the context of this evaluation (PMID: 34460321, 23233322). ClinVar contains an entry for this variant (Variation ID: 960135). Based on the evidence outlined above, the variant was classified as pathogenic.

Genetics Laboratory, Life Sciences Research Department, Aswan Heart Research Centre
Classification: Pathogenic for Hypertrophic cardiomyopathy 4. Last evaluated: 2020-04-01. Review status: criteria provided, single submitter. Criteria: ACMG Guidelines, 2015. Collection method: case-control. Allele origin: inherited. Inheritance: Autosomal dominant inheritance. Affected: yes. Observed: 17 variant alleles, 14 heterozygotes, 2 compound heterozygotes, 1 homozygote.
Comment: 1. Variant was significantly (p-value=5x10-5) enriched in Egyptian HCM patients (frequency: 3.31% (17/514)) over ethnically-matched Egyptian controls (frequency: 0%, (0/400)). 2. Variant was also significantly enriched in Egyptian HCM patients over gnomAD controls (n=125,748, P=2.0x10-41), as well as over other ethnically-matched controls, including individuals from the Great Middle Eastern study (n=993, P=1.2x10-7) 3. Variant co-segregated with hypertrophic cardiomyopathy in a large Egyptian family (LOD score: 3.01)

Genetics and Genomics Program, Sidra Medicine
Classification: Uncertain significance for Primary dilated cardiomyopathy. Review status: flagged submission. Criteria: ACMG Guidelines, 2015. Collection method: research. Allele origin: unknown. Affected: yes. Observed: 1 variant allele. Not counted in ClinVar's aggregate classification.
ClinVar note: Reason: Outlier claim with insufficient supporting evidence

Literature cited by the submitters: PubMed 23233322 (cited by Labcorp Genetics (formerly Invitae), Labcorp and Women's Health and Genetics/Laboratory Corporation of America, LabCorp); PubMed 24111713 (cited by Labcorp Genetics (formerly Invitae), Labcorp); PubMed 34460321 (cited by 3 submitters).